The following is an entry in ClinVar:

NM_001852.4(COL9A2):c.1972G>A (p.Val658Met)

Gene: COL9A2 (collagen type IX alpha 2 chain; minus strand). Cytogenetic location: 1p34.2.
Variant type: single nucleotide variant.
Coding change: c.1972G>A on transcript NM_001852.4 (MANE Select); coding-DNA position 1972, G replaced by A.
Protein change: p.Val658Met; replaces valine 658 with methionine.
Molecular consequence: missense variant.
Genome position (GRCh38, 1-based): chr1:40,301,280, C>T on the plus strand (G>A on the coding strand, the complement: COL9A2 is on the minus strand). VCF-style: chr1-40301280-C-T. GRCh37 (hg19) VCF-style: chr1-40766952-C-T.
Other names: short protein forms V658M.
Identifiers: ClinVar variation 521950 (VCV000521950.8), dbSNP rs773159349, ClinGen allele CA791265.
Genomic context (GRCh38, chr1:40,301,280, plus strand): 5'-CAGAGGCATAGGCCGAAGCTCCAAGGCAGGCGGCAGGTTCACAGAAGCCCGGCAGCCCCA[C>T]GGGGCCTGGCAGGCCAGGTCGACCTGCCTCTCCTGGAGCCCCTGGGGACCCTCGATCTCC-3'
Protein context (NP_001843.1, residues 648-668): EAGRPGLPGP[Val658Met]GLPGFCEPAA

ClinVar aggregate classification (germline): Uncertain significance. Review status: criteria provided, multiple submitters, no conflicts (2 of 4 stars). 3 submissions from 3 submitters: Uncertain significance (3). Last evaluated 2023-11-17.

Conditions:
Inborn genetic diseases. Identifiers: MedGen C0950123, MeSH D030342.

Allele frequency attached by ClinVar (database versions not stated): ExAC 0.00001; gnomAD 0.00001.
gnomAD v4.1: 10 of 1,613,584 alleles (0.00062%); highest among the groups gnomAD compares: South Asian, 0.0022%; no homozygotes.

Submissions (3):

Women's Health and Genetics/Laboratory Corporation of America, LabCorp
Classification: Uncertain significance. Last evaluated: 2023-11-17. Review status: criteria provided, single submitter. Criteria: LabCorp Variant Classification Summary - May 2015. Collection method: clinical testing. Allele origin: germline.
Comment: Variant summary: COL9A2 c.1972G>A (p.Val658Met) results in a conservative amino acid change in the encoded protein sequence. Five of five in-silico tools predict a benign effect of the variant on protein function. The variant allele was found at a frequency of 4.1e-06 in 245978 control chromosomes. The available data on variant occurrences in the general population are insufficient to allow any conclusion about variant significance. To our knowledge, no occurrence of c.1972G>A in individuals affected with Epiphyseal dysplasia, multiple, 2 and no experimental evidence demonstrating its impact on protein function have been reported. Two submitters have cited clinical-significance assessments for this variant to ClinVar after 2014. All submitters classified the variant as uncertain significance. Based on the evidence outlined above, the variant was classified as uncertain significance.

Labcorp Genetics (formerly Invitae), Labcorp
Classification: Uncertain significance. Last evaluated: 2023-10-10. Review status: criteria provided, single submitter. Criteria: Invitae Variant Classification Sherloc (09022015). Collection method: clinical testing. Allele origin: germline.
Comment: This sequence change replaces valine, which is neutral and non-polar, with methionine, which is neutral and non-polar, at codon 658 of the COL9A2 protein (p.Val658Met). This variant is present in population databases (rs773159349, gnomAD 0.0009%). This variant has not been reported in the literature in individuals affected with COL9A2-related conditions. ClinVar contains an entry for this variant (Variation ID: 521950). Advanced modeling of protein sequence and biophysical properties (such as structural, functional, and spatial information, amino acid conservation, physicochemical variation, residue mobility, and thermodynamic stability) performed at Invitae indicates that this missense variant is not expected to disrupt COL9A2 protein function. In summary, the available evidence is currently insufficient to determine the role of this variant in disease. Therefore, it has been classified as a Variant of Uncertain Significance.

Ambry Genetics
Classification: Uncertain significance for Inborn genetic diseases. Last evaluated: 2017-08-16. Review status: criteria provided, single submitter. Criteria: Ambry exome assertion method (8-5-2015). Collection method: clinical testing. Allele origin: germline. Affected: yes. Observed: 1 variant allele.